The following is an entry in ClinVar:

NM_003072.5(SMARCA4):c.484T>A (p.Leu162Met)

Gene: SMARCA4 (SWI/SNF related BAF chromatin remodeling complex subunit ATPase 4; plus strand). Cytogenetic location: 19p13.2.
Variant type: single nucleotide variant.
Coding change: c.484T>A on transcript NM_003072.5 (MANE Select); coding-DNA position 484, T replaced by A.
Protein change: p.Leu162Met; replaces leucine 162 with methionine.
Molecular consequence: missense variant. On other transcripts: non-coding transcript variant (1).
Genome position (GRCh38, 1-based): chr19:10,986,317, T>A. VCF-style: chr19-10986317-T-A. GRCh37 (hg19) VCF-style: chr19-11096993-T-A.
Other names: c.484T>A, p.Leu162Met (NM_001411150.1, NM_001128844.3, NM_001128845.2 and 6 more transcripts); short protein forms L162M.
Identifiers: ClinVar variation 5029896 (VCV005029896.1).

ClinVar aggregate classification (germline): Uncertain significance (1 of 4 stars; one submission).

Conditions:
Hereditary cancer-predisposing syndrome. Also called: Neoplastic Syndromes, Hereditary; Tumor predisposition; Hereditary neoplastic syndrome; Hereditary Cancer Syndrome. Identifiers: Orphanet 140162, MedGen C0027672, MeSH D009386, MONDO:0015356.

Submission:

Ambry Genetics
Classification: Uncertain significance for Hereditary cancer-predisposing syndrome. Last evaluated: 2026-09-01. Review status: criteria provided, single submitter. Criteria: Ambry Variant Classification Scheme 2023. Collection method: clinical testing. Allele origin: germline.
Comment: The p.L162M variant (also known as c.484T>A), located in coding exon 3 of the SMARCA4 gene, results from a T to A substitution at nucleotide position 484. The leucine at codon 162 is replaced by methionine, an amino acid with highly similar properties. This amino acid position is well conserved in available vertebrate species. In addition, this alteration is predicted to be tolerated by in silico analysis. Based on the available evidence, the clinical significance of this variant remains unclear.